The following is an entry in ClinVar:

ClinVar aggregate classification (germline): Uncertain significance (1 of 4 stars; one submission).

Submission:

GeneDx
Classification: Uncertain significance. Last evaluated: 2023-12-15. Review status: criteria provided, single submitter. Criteria: GeneDx Variant Classification Process June 2021. Collection method: clinical testing. Allele origin: germline. Affected: yes.
Comment: Not observed at significant frequency in large population cohorts (gnomAD); In silico analysis supports a deleterious effect on splicing; In silico analysis supports that this missense variant does not alter protein structure/function; Has not been previously published as pathogenic or benign to our knowledge

NM_014233.4(UBTF):c.1518T>G (p.Asn506Lys)

Genes: ATXN7L3-AS1 (ATXN7L3 antisense RNA 1; plus strand), UBTF (upstream binding transcription factor; minus strand). Cytogenetic location: 17q21.31.
Variant type: single nucleotide variant.
Coding change: c.1518T>G on transcript NM_014233.4 (MANE Select); coding-DNA position 1518, T replaced by G.
Protein change: p.Asn506Lys; replaces asparagine 506 with lysine.
Molecular consequence: missense variant. On other transcripts: non-coding transcript variant (1).
Genome position (GRCh38, 1-based): chr17:44,210,232, A>C on the plus strand (T>G on the coding strand, the complement: UBTF is on the minus strand). VCF-style: chr17-44210232-A-C. GRCh37 (hg19) VCF-style: chr17-42287600-A-C.
Other names: c.1407T>G, p.Asn469Lys (NM_001076683.2, NM_001076684.3); short protein forms N469K, N506K.
Identifiers: ClinVar variation 3365578 (VCV003365578.1).